The following is an entry in ClinVar:

ClinVar aggregate classification (germline): Uncertain significance (1 of 4 stars; one submission).

Conditions:
Malignant hyperthermia, susceptibility to, 1 (MHS1). Also called: Anesthesia related hyperthermia; Malignant hyperpyrexia; Fulminating hyperpyrexia; Pharmacogenic myopathy; RYR1-Related Malignant Hyperthermia Susceptibility; Malignant hyperthermia suceptibility 1. Identifiers: Orphanet 423, MedGen C2930980, MONDO:0007783, OMIM 145600.

Submission:

All of Us Research Program, National Institutes of Health
Classification: Uncertain significance for Malignant hyperthermia, susceptibility to, 1. Last evaluated: 2023-12-18. Review status: criteria provided, single submitter. Criteria: ACMG Guidelines, 2015. Collection method: clinical testing. Allele origin: germline. Inheritance: Autosomal dominant inheritance. Observed: 1 variant allele, 1 heterozygote.
Comment: This missense variant replaces threonine with isoleucine at codon 2742 of the RYR1 protein. Computational prediction suggests that this variant may have deleterious impact on protein structure and function (internally defined REVEL score threshold >= 0.7, PMID: 27666373). To our knowledge, functional studies have not been reported for this variant. This variant has not been reported in individuals affected with RYR1-related disorders in the literature. This variant has not been identified in the general population by the Genome Aggregation Database (gnomAD). The available evidence is insufficient to determine the role of this variant in disease conclusively. Therefore, this variant is classified as a Variant of Uncertain Significance.

This study involves interpretation of variants in research participants for the purpose of population health screening. Participant phenotype was not available at the time of variant classification. Additional details can be found in publication PMID: 35346344, PMCID: PMC8962531

NM_000540.3(RYR1):c.8225C>T (p.Thr2742Ile)

Gene: RYR1 (ryanodine receptor 1; plus strand). Cytogenetic location: 19q13.2.
Variant type: single nucleotide variant.
Coding change: c.8225C>T on transcript NM_000540.3 (MANE Select); coding-DNA position 8225, C replaced by T.
Protein change: p.Thr2742Ile; replaces threonine 2742 with isoleucine.
Molecular consequence: missense variant.
Genome position (GRCh38, 1-based): chr19:38,504,905, C>T. VCF-style: chr19-38504905-C-T. GRCh37 (hg19) VCF-style: chr19-38995545-C-T.
Other names: c.8225C>T, p.Thr2742Ile (NM_001042723.2); short protein forms T2742I.
Identifiers: ClinVar variation 3075056 (VCV003075056.1), dbSNP rs2514355252, ClinGen allele CA405677013.